The following is an entry in ClinVar:

NM_004174.4(SLC9A3):c.1351T>A (p.Phe451Ile)

Gene: SLC9A3 (solute carrier family 9 member A3). Cytogenetic location: 5p15.33.
Variant type: single nucleotide variant.
Coding change: c.1351T>A on transcript NM_004174.4 (MANE Select); coding-DNA position 1351, T replaced by A.
Protein change: p.Phe451Ile; replaces phenylalanine 451 with isoleucine.
Molecular consequence: missense variant.
Genome position (GRCh38, 1-based): chr5:482,553, A>T on the plus strand (T>A on the coding strand, the complement: SLC9A3 is on the minus strand). VCF-style: chr5-482553-A-T. GRCh37 (hg19) VCF-style: chr5-482668-A-T.
Other names: c.1351T>A, p.Phe451Ile (NM_001284351.3); c.1351T>A (NM_004174.2); short protein forms F451I.
Identifiers: ClinVar variation 1415270 (VCV001415270.5), dbSNP rs199716115, ClinGen allele CA3176000.

ClinVar aggregate classification (germline): Uncertain significance. Review status: criteria provided, multiple submitters, no conflicts (2 of 4 stars). 2 submissions from 2 submitters: Uncertain significance (2). Last evaluated 2025-03-01.

Conditions:
Inborn genetic diseases. Identifiers: MedGen C0950123, MeSH D030342.

Allele frequency attached by ClinVar (database versions not stated): gnomAD exomes below 0.00001 and 0.00003; gnomAD 0.00001; TOPMed 0.00001; ExAC 0.00002; 1000 Genomes Project 30x 0.00016; 1000 Genomes Project 0.00020.
gnomAD v4.1: 5 of 1,609,548 alleles (0.00031%); highest among the groups gnomAD compares: East Asian, 0.011%; no homozygotes.

Submissions (2):

Ambry Genetics
Classification: Uncertain significance for Inborn genetic diseases. Last evaluated: 2025-03-01. Review status: criteria provided, single submitter. Criteria: Ambry Variant Classification Scheme 2023. Collection method: clinical testing. Allele origin: germline.

Labcorp Genetics (formerly Invitae), Labcorp
Classification: Uncertain significance. Last evaluated: 2020-10-27. Review status: criteria provided, single submitter. Criteria: Invitae Variant Classification Sherloc (09022015). Collection method: clinical testing. Allele origin: germline.
Comment: In summary, the available evidence is currently insufficient to determine the role of this variant in disease. Therefore, it has been classified as a Variant of Uncertain Significance. Algorithms developed to predict the effect of missense changes on protein structure and function are either unavailable or do not agree on the potential impact of this missense change (SIFT: "Not Available"; PolyPhen-2: "Benign"; Align-GVGD: "Not Available"). This variant has not been reported in the literature in individuals with SLC9A3-related conditions. This variant is present in population databases (rs199716115, ExAC 0.02%). This sequence change replaces phenylalanine with isoleucine at codon 451 of the SLC9A3 protein (p.Phe451Ile). The phenylalanine residue is moderately conserved and there is a small physicochemical difference between phenylalanine and isoleucine.